The following is an entry in ClinVar:

NM_001130987.2(DYSF):c.5531dup (p.Arg1845fs)

Gene: DYSF (dysferlin; plus strand). Cytogenetic location: 2p13.2.
Variant type: Duplication.
Coding change: c.5531dup on transcript NM_001130987.2 (MANE Select); coding-DNA position 5531, one base duplicated (C; older notation c.5531dupC).
Protein change: p.Arg1845fs; shifts the reading frame from arginine 1845.
Molecular consequence: frameshift variant.
Genome position (GRCh38, 1-based): chr2:71,668,827, C duplicated; the last of 4 consecutive C bases (chr2:71,668,824-71,668,827); duplicating any one gives the same sequence. VCF-style (leftmost placement, unchanged base first): chr2-71668823-A-AC. GRCh37 (hg19) VCF-style: chr2-71895953-A-AC.
Other names: c.5417dup, p.Arg1807fs (NM_001130455.2); c.5372dup, p.Arg1792fs (NM_001130976.2); c.5435dup, p.Arg1813fs (NM_001130977.2); c.5477dup, p.Arg1827fs (NM_001130978.2); c.5507dup, p.Arg1837fs (NM_001130979.2); c.5465dup, p.Arg1823fs (NM_001130980.2); c.5528dup, p.Arg1844fs (NM_001130981.2); c.5510dup, p.Arg1838fs (NM_001130982.2); and 6 more; short protein forms R1792fs, R1806fs, R1824fs, R1807fs, R1845fs, R1793fs, R1814fs, R1827fs.
Identifiers: ClinVar variation 552590 (VCV000552590.7), dbSNP rs1553415211, ClinGen allele CA658821128.
Genomic context (GRCh38, chr2:71,668,823, plus strand): 5'-CAGATGTGGGTCGACCTATTTCCGAAGGCCCTGGGGCGGCCTGGACCTCCCTTCAACATC[A>AC]CCCCACGGAGAGCCAGAAGGTGACTTGCCCAGCCACAGGCTCTGAGCTGGGCTGAGGGGT-3'

ClinVar aggregate classification (germline): Pathogenic. Review status: criteria provided, multiple submitters, no conflicts (2 of 4 stars). 5 submissions from 5 submitters: Pathogenic (4). 1 of the submissions does not count toward it. Last evaluated 2025-01-25.

Conditions:
Miyoshi muscular dystrophy 1 (MMD1). Identifiers: Orphanet 45448, MedGen C4551973, MONDO:0024545, OMIM 254130.
Distal myopathy with anterior tibial onset. Identifiers: Orphanet 178400, MedGen C1847532, MONDO:0011721, OMIM 606768.
Autosomal recessive limb-girdle muscular dystrophy type 2B (LGMDR2). Also called: MUSCULAR DYSTROPHY, LIMB-GIRDLE, AUTOSOMAL RECESSIVE 2; MUSCULAR DYSTROPHY, LIMB-GIRDLE, TYPE 3; Limb-Girdle Muscular Dystrophy Type 2B (LGMD2B); Limb-girdle muscular dystrophy, type 2B. Identifiers: Orphanet 268, MedGen C1850889, MONDO:0009676, OMIM 253601.

Submissions (5):

Natera, Inc.
Classification: Pathogenic for Limb-girdle muscular dystrophy type 2B. Last evaluated: 2025-01-25. Review status: criteria provided, single submitter. Criteria: Natera Variant Classification Schema (03/2026). Collection method: clinical testing. Allele origin: germline.
Comment: The c.5414dupC variant in DYSF is a frameshift variant predicted to shift the reading frame beginning at codon 1806 and leads to a stop codon 22 codons downstream. This variant is expected to result in nonsense mediated decay, truncation, or a dysfunctional protein product. This variant is rare in the general population with a frequency below the threshold expected for the associated phenotype(s). This variant has been observed in one or more individuals affected with the associated recessive disease, as either homozygous or compound heterozygous with a second variant (PMID: 27647186, 34559919). Given the available evidence, this variant is classified as Pathogenic.

Fulgent Genetics
Classification: Pathogenic for Autosomal recessive limb-girdle muscular dystrophy type 2B; Miyoshi muscular dystrophy 1; Distal myopathy with anterior tibial onset. Last evaluated: 2024-04-17. Review status: criteria provided, single submitter. Criteria: ACMG Guidelines, 2015. Collection method: clinical testing. Allele origin: germline.

Baylor Genetics
Classification: Pathogenic for Miyoshi muscular dystrophy 1. Last evaluated: 2023-06-19. Review status: criteria provided, single submitter. Criteria: ACMG Guidelines, 2015. Collection method: clinical testing. Allele origin: unknown.

Juno Genomics, Hangzhou Juno Genomics, Inc
Classification: Pathogenic for Miyoshi muscular dystrophy 1; Autosomal recessive limb-girdle muscular dystrophy type 2B; Distal myopathy with anterior tibial onset. Review status: criteria provided, single submitter. Criteria: ACMG Guidelines, 2015. Collection method: clinical testing. Allele origin: germline.
Comment: Absent from controls (or at extremely low frequency if recessive) in Genome Aggregation Database.;Null variant in a gene where loss of function (LOF) is a known mechanism of disease.;For recessive disorders, detected in trans with a pathogenic variant.;Patient's phenotype or family history is highly specific for a disease with a single genetic etiology.

Counsyl
Classification: Likely pathogenic for Autosomal recessive limb-girdle muscular dystrophy type 2B. Last evaluated: 2017-06-27. Review status: no assertion criteria provided. Collection method: clinical testing. Allele origin: unknown. Not counted in ClinVar's aggregate classification.

Literature cited by the submitters: PubMed 27647186 (cited by Natera, Inc. and Counsyl); PubMed 34559919 (cited by Natera, Inc.).